The following is an entry in ClinVar:

ClinVar aggregate classification (germline): Uncertain significance (1 of 4 stars; one submission).

Allele frequency attached by ClinVar (database versions not stated): gnomAD exomes 0.00001.
gnomAD v4.1: 8 of 1,614,206 alleles (0.0005%); highest among the groups gnomAD compares: Non-Finnish European, 0.00068%; no homozygotes.

Submission:

Labcorp Genetics (formerly Invitae), Labcorp
Classification: Uncertain significance. Last evaluated: 2022-04-08. Review status: criteria provided, single submitter. Criteria: Invitae Variant Classification Sherloc (09022015). Collection method: clinical testing. Allele origin: germline.
Comment: This variant has not been reported in the literature in individuals affected with NIN-related conditions. This sequence change replaces glutamic acid, which is acidic and polar, with glycine, which is neutral and non-polar, at codon 752 of the NIN protein (p.Glu752Gly). This variant is not present in population databases (gnomAD no frequency). Algorithms developed to predict the effect of missense changes on protein structure and function (SIFT, PolyPhen-2, Align-GVGD) all suggest that this variant is likely to be disruptive. In summary, the available evidence is currently insufficient to determine the role of this variant in disease. Therefore, it has been classified as a Variant of Uncertain Significance.

NM_020921.4(NIN):c.2255A>G (p.Glu752Gly)

Gene: NIN (ninein; minus strand). Cytogenetic location: 14q22.1.
Variant type: single nucleotide variant.
Coding change: c.2255A>G on transcript NM_020921.4 (MANE Select); coding-DNA position 2255, A replaced by G.
Protein change: p.Glu752Gly; replaces glutamic acid 752 with glycine.
Molecular consequence: missense variant.
Genome position (GRCh38, 1-based): chr14:50,760,001, T>C on the plus strand (A>G on the coding strand, the complement: NIN is on the minus strand). VCF-style: chr14-50760001-T-C. GRCh37 (hg19) VCF-style: chr14-51226719-T-C.
Other names: c.2255A>G, p.Glu752Gly (NM_016350.5, NM_182944.3, NM_182946.2); short protein forms E752G.
Identifiers: ClinVar variation 2123034 (VCV002123034.4), dbSNP rs2505885536, ClinGen allele CA389702028.